The following is an entry in ClinVar:

NM_000211.5(ITGB2):c.178A>G (p.Ile60Val)

Gene: ITGB2 (integrin subunit beta 2; minus strand). Cytogenetic location: 21q22.3.
Variant type: single nucleotide variant.
Coding change: c.178A>G on transcript NM_000211.5 (MANE Select); coding-DNA position 178, A replaced by G.
Protein change: p.Ile60Val; replaces isoleucine 60 with valine.
Molecular consequence: missense variant. On other transcripts: 5 prime UTR variant (1).
Genome position (GRCh38, 1-based): chr21:44,907,065, T>C on the plus strand (A>G on the coding strand, the complement: ITGB2 is on the minus strand). VCF-style: chr21-44907065-T-C. GRCh37 (hg19) VCF-style: chr21-46326980-T-C.
Other names: c.178A>G, p.Ile60Val (NM_001127491.3); c.-30A>G (NM_001303238.2); short protein forms I60V.
Identifiers: ClinVar variation 1450843 (VCV001450843.3), dbSNP rs781730372, ClinGen allele CA10063304.
Genomic context (GRCh38, chr21:44,907,065, plus strand): 5'-CCATGATGTCGTCAGCCGCACAGCCCCTCATGAGCAGCTGTGGCCGGGTGTCGCAGCGAA[T>C]GGAGTCAGGATCCCCCGGCCCTGTGAAGTTCTGGGGAGGGGGAGTCAGGGGTCAGGAGGG-3'
Protein context (NP_000202.3, residues 50-70): NFTGPGDPDS[Ile60Val]RCDTRPQLLM

ClinVar aggregate classification (germline): Uncertain significance (1 of 4 stars; one submission).

Conditions:
Leukocyte adhesion deficiency 1 (LAD1). Also called: LEUKOCYTE ADHESION DEFICIENCY, TYPE I; LAD 1; Lymphocyte function-associated antigen 1 immunodeficiency; LFA 1 immunodeficiency. Identifiers: Orphanet 2968, Orphanet 99842, MedGen C0398738, MONDO:0007293, OMIM 116920.

Allele frequency attached by ClinVar (database versions not stated): TOPMed 0.00002; gnomAD 0.00003.
gnomAD v4.1: 11 of 1,609,744 alleles (0.00068%); highest among the groups gnomAD compares: Non-Finnish European, 0.00093%; no homozygotes.

Submission:

Labcorp Genetics (formerly Invitae), Labcorp
Classification: Uncertain significance for Leukocyte adhesion deficiency 1. Last evaluated: 2022-10-25. Review status: criteria provided, single submitter. Criteria: Invitae Variant Classification Sherloc (09022015). Collection method: clinical testing. Allele origin: germline.
Comment: This sequence change replaces isoleucine, which is neutral and non-polar, with valine, which is neutral and non-polar, at codon 60 of the ITGB2 protein (p.Ile60Val). This variant is present in population databases (rs781730372, gnomAD 0.002%). This variant has not been reported in the literature in individuals affected with ITGB2-related conditions. ClinVar contains an entry for this variant (Variation ID: 1450843). Algorithms developed to predict the effect of missense changes on protein structure and function output the following: SIFT: "Tolerated"; PolyPhen-2: "Benign"; Align-GVGD: "Class C15". The valine amino acid residue is found in multiple mammalian species, which suggests that this missense change does not adversely affect protein function. In summary, the available evidence is currently insufficient to determine the role of this variant in disease. Therefore, it has been classified as a Variant of Uncertain Significance.